The following is an entry in ClinVar:

NM_002470.4(MYH3):c.5562+11C>T

Gene: MYH3 (myosin heavy chain 3; minus strand). Cytogenetic location: 17p13.1.
Variant type: single nucleotide variant.
Coding change: c.5562+11C>T on transcript NM_002470.4 (MANE Select); 11 bases into the intron after coding-DNA position 5562, C replaced by T.
Molecular consequence: intron variant.
Genome position (GRCh38, 1-based): chr17:10,630,081, G>A on the plus strand (C>T on the coding strand, the complement: MYH3 is on the minus strand). VCF-style: chr17-10630081-G-A. GRCh37 (hg19) VCF-style: chr17-10533398-G-A.
Identifiers: ClinVar variation 321713 (VCV000321713.12), dbSNP rs376208076, ClinGen allele CA8391890.
Genomic context (GRCh38, chr17:10,630,081, plus strand): 5'-TTCTTCCTGTGGTTTGATGGAGAATCTGCACGTCACAGAGGACACGATCATGGCGTTTGC[G>A]TTCCACTTACCTGGTACGTCAGCTCCTTGACCCTCCGCTCATACTTCCTCAGGCCCTTAA-3'

ClinVar aggregate classification (germline): Conflicting classifications of pathogenicity. Review status: criteria provided, conflicting classifications (1 of 4 stars). 3 submissions from 2 submitters: Uncertain significance (1); Benign (1); Likely benign (1). Last evaluated 2026-01-05.

Conditions:
Freeman-Sheldon syndrome (DA2A). Also called: CRANIOCARPOTARSAL DYSPLASIA; CRANIOCARPOTARSAL DYSTROPHY; WHISTLING FACE-WINDMILL VANE HAND SYNDROME; Arthrogryposis, distal, type 2A (Freeman-Sheldon). Identifiers: Orphanet 2053, MedGen C0265224, MONDO:0008675, OMIM 193700.
Distal arthrogryposis type 2B1 (DA2B1). Also called: Arthrogryposis multiplex congenita distal type II with craniofacial abnormalities. Identifiers: Orphanet 1147, MedGen C5193014, MONDO:0020820, OMIM 601680.

Allele frequency attached by ClinVar (database versions not stated): TOPMed 0.00005.
gnomAD v4.1: 76 of 1,612,596 alleles (0.0047%); highest among the groups gnomAD compares: Admixed American, 0.042%; no homozygotes.

Submissions (3):

Labcorp Genetics (formerly Invitae), Labcorp
Classification: Likely benign. Last evaluated: 2026-01-05. Review status: criteria provided, single submitter. Criteria: Invitae Variant Classification Sherloc (09022015). Collection method: clinical testing. Allele origin: germline.

Illumina Laboratory Services, Illumina
Classification: Uncertain significance for Distal arthrogryposis type 2B1. Last evaluated: 2018-01-12. Review status: criteria provided, single submitter. Criteria: ICSL Variant Classification Criteria 13 December 2019. Collection method: clinical testing. Allele origin: germline.

Illumina Laboratory Services, Illumina
Classification: Benign for Freeman-Sheldon syndrome. Last evaluated: 2018-01-12. Review status: criteria provided, single submitter. Criteria: ICSL Variant Classification Criteria 13 December 2019. Collection method: clinical testing. Allele origin: germline.
Comment: This variant was observed in the ICSL laboratory as part of a predisposition screen in an ostensibly healthy population. It had not been previously curated by ICSL or reported in the Human Gene Mutation Database (HGMD: prior to June 1st, 2018), and was therefore a candidate for classification through an automated scoring system. Utilizing variant allele frequency, disease prevalence and penetrance estimates, and inheritance mode, an automated score was calculated to assess if this variant is too frequent to cause the disease. Based on the score and internal cut-off values, a variant classified as benign is not then subjected to further curation. The score for this variant resulted in a classification of benign for this disease.